The following is an entry in ClinVar:

NM_000053.4(ATP7B):c.2295C>T (p.Asp765=)

Gene: ATP7B (ATPase copper transporting beta; minus strand). Cytogenetic location: 13q14.3.
Variant type: single nucleotide variant.
Coding change: c.2295C>T on transcript NM_000053.4 (MANE Select); coding-DNA position 2295, C replaced by T.
Protein change: p.Asp765=; no amino-acid change (aspartic acid 765 retained).
Molecular consequence: synonymous variant. On other transcripts: intron variant (14).
Genome position (GRCh38, 1-based): chr13:51,958,371, G>A on the plus strand (C>T on the coding strand, the complement: ATP7B is on the minus strand). VCF-style: chr13-51958371-G-A. GRCh37 (hg19) VCF-style: chr13-52532507-G-A.
Other names: c.2295C>T, p.Asp765= (NM_001406515.1, NM_001406516.1, NM_001406519.1 and 7 more transcripts); c.2199C>T, p.Asp733= (NM_001406517.1, NM_001406518.1); c.2151C>T, p.Asp717= (NM_001406521.1, NM_001406522.1, NM_001406520.1 and 1 more transcripts); c.1962C>T, p.Asp654= (NM_001243182.2); c.2043C>T, p.Asp681= (NM_001330579.2, NM_001406531.1, NM_001406532.1 and 1 more transcripts); c.2122-764C>T (NM_001406538.1, NM_001330578.2, NM_001406527.1 and 2 more transcripts); c.1774-764C>T (NM_001406544.1); c.2026-764C>T (NM_001406536.1); and 8 more.
Identifiers: ClinVar variation 2957696 (VCV002957696.4), dbSNP rs774769813, ClinGen allele CA6989070.
Genomic context (GRCh38, chr13:51,958,371, plus strand): 5'-CTTTGCCAAGTGTTCCAGCCACCGGCCCAGGGCAATGAACACAAAGAGCATGGGGGGCGT[G>A]TCGAAGAATGTCACAGGGCTCCTCTCCGCCTTCTCAGCCACAGCAACCACCAGGATGACC-3'
Protein context (NP_000044.2, residues 755-775): KAERSPVTFF[Asp765=]TPPMLFVFIA

ClinVar aggregate classification (germline): Likely benign. Review status: criteria provided, multiple submitters, no conflicts (2 of 4 stars). 2 submissions from 2 submitters: Likely benign (2). Last evaluated 2026-01-16.

Conditions:
Wilson disease (WND). Also called: Wilson's disease. Identifiers: Orphanet 905, MedGen C0019202, MONDO:0010200, OMIM 277900. Disease mechanism: loss of function.

Allele frequency attached by ClinVar (database versions not stated): TOPMed below 0.00001; ExAC 0.00001; gnomAD exomes 0.00001.
gnomAD v4.1: 3 of 1,614,204 alleles (0.00019%); highest among the groups gnomAD compares: South Asian, 0.0011%; no homozygotes.

Submissions (2):

Labcorp Genetics (formerly Invitae), Labcorp
Classification: Likely benign for Wilson disease. Last evaluated: 2026-01-16. Review status: criteria provided, single submitter. Criteria: Invitae Variant Classification Sherloc (09022015). Collection method: clinical testing. Allele origin: germline.

All of Us Research Program, National Institutes of Health
Classification: Likely benign for Wilson disease. Last evaluated: 2023-06-26. Review status: criteria provided, single submitter. Criteria: ACMG Guidelines, 2015. Collection method: clinical testing. Allele origin: germline. Inheritance: Autosomal recessive inheritance. Observed: 1 variant allele, 1 heterozygote.
Comment: This study involves interpretation of variants in research participants for the purpose of population health screening. Participant phenotype was not available at the time of variant classification. Additional details can be found in publication PMID: 35346344, PMCID: PMC8962531